The following is an entry in ClinVar:

ClinVar aggregate classification (germline): Uncertain significance (1 of 4 stars; one submission).

Submission:

Labcorp Genetics (formerly Invitae), Labcorp
Classification: Uncertain significance. Last evaluated: 2025-02-13. Review status: criteria provided, single submitter. Criteria: Invitae Variant Classification Sherloc (09022015). Collection method: clinical testing. Allele origin: germline.
Comment: This sequence change replaces glutamine, which is neutral and polar, with leucine, which is neutral and non-polar, at codon 598 of the ARHGAP24 protein (p.Gln598Leu). This variant is not present in population databases (gnomAD no frequency). This variant has not been reported in the literature in individuals affected with ARHGAP24-related conditions. An algorithm developed to predict the effect of missense changes on protein structure and function (PolyPhen-2) suggests that this variant is likely to be tolerated. In summary, the available evidence is currently insufficient to determine the role of this variant in disease. Therefore, it has been classified as a Variant of Uncertain Significance.

NM_001025616.3(ARHGAP24):c.1793A>T (p.Gln598Leu)

Gene: ARHGAP24 (Rho GTPase activating protein 24; plus strand). Cytogenetic location: 4q21.23.
Variant type: single nucleotide variant.
Coding change: c.1793A>T on transcript NM_001025616.3 (MANE Select); coding-DNA position 1793, A replaced by T.
Protein change: p.Gln598Leu; replaces glutamine 598 with leucine.
Molecular consequence: missense variant.
Genome position (GRCh38, 1-based): chr4:85,995,447, A>T. VCF-style: chr4-85995447-A-T. GRCh37 (hg19) VCF-style: chr4-86916600-A-T.
Other names: c.1508A>T, p.Gln503Leu (NM_001042669.2); c.1538A>T, p.Gln513Leu (NM_001287805.2); c.1214A>T, p.Gln405Leu (NM_001346093.2); c.1514A>T, p.Gln505Leu (NM_031305.3); short protein forms Q513L, Q505L, Q405L, Q503L, Q598L.
Identifiers: ClinVar variation 4702118 (VCV004702118.1).